The following is an entry in ClinVar:

ClinVar aggregate classification (germline): Conflicting classifications of pathogenicity. Review status: criteria provided, conflicting classifications (1 of 4 stars). 3 submissions from 3 submitters: Uncertain significance (2); Likely benign (1). Last evaluated 2023-03-23.

Conditions:
Hereditary cancer-predisposing syndrome. Also called: Hereditary neoplastic syndrome; Neoplastic Syndromes, Hereditary; Tumor predisposition; Hereditary Cancer Syndrome. Identifiers: Orphanet 140162, MedGen C0027672, MeSH D009386, MONDO:0015356.
Hereditary breast ovarian cancer syndrome. Also called: Hereditary breast and ovarian cancer syndrome (HBOC); BRCA1- and BRCA2-Associated Hereditary Breast and Ovarian Cancer; Hereditary breast and ovarian cancer syndrome; Breast and ovarian cancer; Hereditary breast and ovarian cancer; Hereditary breast and/or ovarian cancer syndrome. Identifiers: Orphanet 145, MedGen C0677776, MeSH D061325, MONDO:0003582. Disease mechanism: loss of function.

Submissions (3):

University of Washington Department of Laboratory Medicine, University of Washington
Classification: Likely benign for Hereditary cancer-predisposing syndrome. Last evaluated: 2023-03-23. Review status: criteria provided, single submitter. Criteria: Dines et al. (Genet Med. 2020). Collection method: curation. Allele origin: germline.
Comment: Missense variant in a coldspot region where missense variants are very unlikely to be pathogenic (PMID:31911673).

BRCA2 exon 11 coldspot. Reclassification based on statistical prior probability.

Ambry Genetics
Classification: Uncertain significance for Hereditary cancer-predisposing syndrome. Last evaluated: 2019-08-10. Review status: criteria provided, single submitter. Criteria: Ambry Variant Classification Scheme 2023. Collection method: clinical testing. Allele origin: germline.
Comment: The p.N1626H variant (also known as c.4876A>C), located in coding exon 10 of the BRCA2 gene, results from an A to C substitution at nucleotide position 4876. The asparagine at codon 1626 is replaced by histidine, an amino acid with similar properties. This amino acid position is not well conserved in available vertebrate species. In addition, this alteration is predicted to be tolerated by in silico analysis. Since supporting evidence is limited at this time, the clinical significance of this alteration remains unclear.

Labcorp Genetics (formerly Invitae), Labcorp
Classification: Uncertain significance for Hereditary breast ovarian cancer syndrome. Last evaluated: 2017-11-15. Review status: criteria provided, single submitter. Criteria: Invitae Variant Classification Sherloc (09022015). Collection method: clinical testing. Allele origin: germline.
Comment: In summary, the available evidence is currently insufficient to determine the role of this variant in disease. Therefore, it has been classified as a Variant of Uncertain Significance. Algorithms developed to predict the effect of missense changes on protein structure and function (SIFT, PolyPhen-2, Align-GVGD) all suggest that this variant is likely to be tolerated, but these predictions have not been confirmed by published functional studies and their clinical significance is uncertain. This variant has not been reported in the literature in individuals with BRCA2-related disease. This variant is not present in population databases (ExAC no frequency). This sequence change replaces asparagine with histidine at codon 1626 of the BRCA2 protein (p.Asn1626His). The asparagine residue is weakly conserved and there is a small physicochemical difference between asparagine and histidine.

NM_000059.4(BRCA2):c.4876A>C (p.Asn1626His)

Gene: BRCA2 (BRCA2 DNA repair associated; plus strand). Cytogenetic location: 13q13.1.
Variant type: single nucleotide variant.
Coding change: c.4876A>C on transcript NM_000059.4 (MANE Select); coding-DNA position 4876, A replaced by C.
Protein change: p.Asn1626His; replaces asparagine 1626 with histidine.
Molecular consequence: missense variant.
Genome position (GRCh38, 1-based): chr13:32,339,231, A>C. VCF-style: chr13-32339231-A-C. GRCh37 (hg19) VCF-style: chr13-32913368-A-C.
Other names: short protein forms N1626H.
Identifiers: ClinVar variation 531305 (VCV000531305.12), dbSNP rs1555283968, ClinGen allele CA387783477.